The following is an entry in ClinVar:

NM_000414.4(HSD17B4):c.1280C>T (p.Ala427Val)

Gene: HSD17B4 (hydroxysteroid 17-beta dehydrogenase 4; plus strand). Cytogenetic location: 5q23.1.
Variant type: single nucleotide variant.
Coding change: c.1280C>T on transcript NM_000414.4 (MANE Select); coding-DNA position 1280, C replaced by T.
Protein change: p.Ala427Val; replaces alanine 427 with valine.
Molecular consequence: missense variant.
Genome position (GRCh38, 1-based): chr5:119,506,836, C>T. VCF-style: chr5-119506836-C-T. GRCh37 (hg19) VCF-style: chr5-118842531-C-T.
Other names: c.1355C>T, p.Ala452Val (NM_001199291.3); c.1226C>T, p.Ala409Val (NM_001199292.2); c.1208C>T, p.Ala403Val (NM_001292027.2); c.860C>T, p.Ala287Val (NM_001292028.2); short protein forms A427V, A403V, A287V, A409V, A452V.
Identifiers: ClinVar variation 439793 (VCV000439793.32), dbSNP rs28943590, ClinGen allele CA3382172.

ClinVar aggregate classification (germline): Conflicting classifications of pathogenicity. Review status: criteria provided, conflicting classifications (1 of 4 stars). 6 submissions from 6 submitters: Uncertain significance (3); Benign (1); Likely benign (1). 1 of the submissions does not count toward it. Last evaluated 2026-01-06.

Conditions:
HSD17B4-related disorder. Also called: HSD17B4-related condition; HSD17B4-related disorders.
Bifunctional peroxisomal enzyme deficiency (DBIF). Also called: DBP DEFICIENCY; PBFE DEFICIENCY; D-bifunctional protein deficiency. Identifiers: Orphanet 300, MedGen C0342870, MONDO:0009855, OMIM 261515. Disease mechanism: loss of function.
Perrault syndrome. Also called: Gonadal dysgenesis with auditory dysfunction, autosomal recessive inheritance. Identifiers: Orphanet 2855, MedGen C0685838, MONDO:0017312.

Allele frequency attached by ClinVar (database versions not stated): gnomAD 0.00006; gnomAD exomes 0.00006 and 0.00033; TOPMed 0.00015; ExAC 0.00028.
gnomAD v4.1: 99 of 1,581,978 alleles (0.0063%); highest among the groups gnomAD compares: Admixed American, 0.16%; no homozygotes.

Submissions (6):

Labcorp Genetics (formerly Invitae), Labcorp
Classification: Likely benign for Perrault syndrome; Bifunctional peroxisomal enzyme deficiency. Last evaluated: 2026-01-06. Review status: criteria provided, single submitter. Criteria: Invitae Variant Classification Sherloc (09022015). Collection method: clinical testing. Allele origin: germline.

GeneDx
Classification: Benign. Last evaluated: 2020-10-28. Review status: criteria provided, single submitter. Criteria: GeneDx Variant Classification Process June 2021. Collection method: clinical testing. Allele origin: germline. Affected: yes.
Comment: This variant is associated with the following publications: (PMID: 28649525, 22864515)

ARUP Laboratories, Molecular Genetics and Genomics, ARUP Laboratories
Classification: Uncertain significance. Last evaluated: 2020-03-23. Review status: criteria provided, single submitter. Criteria: ARUP Molecular Germline Variant Investigation Process. Collection method: clinical testing. Allele origin: germline.
Comment: The p.Ala452Val variant (rs28943590) has not been reported in the medical literature, or gene specific variation databases. This variant is listed in the Exome Aggregation Consortium Browser with a Latino population frequency of 0.3 percent (identified on 33 out of 11,186 chromosomes). The alanine at position 452 is moderately conserved (considering 12 species) (Alamut v2.8.1) and computational analyses of the effects of the p.Ala452Val variant on protein structure and function provide conflicting results (SIFT: tolerated, MutationTaster: disease causing, PolyPhen-2: benign). Altogether, there is not enough evidence to classify the p.Ala452Val variant with certainty.

Laboratory for Molecular Medicine, Mass General Brigham Personalized Medicine
Classification: Uncertain significance. Last evaluated: 2019-08-27. Review status: criteria provided, single submitter. Criteria: LMM Criteria. Collection method: clinical testing. Allele origin: germline. Observed: 1 variant allele.
Comment: Variant classified as Uncertain Significance - Favor Benign. The p.Ala452Val variant in HSD17B4 has not been previously reported in individuals with Perrault syndrome, but has been identified in 0.2% (83/35360) of Latino chromosomes by gnomAD. Computational prediction tools and conservation analyses do not provide strong support for or against an impact to the protein. In summary, while the clinical significance of this variant is uncertain, its frequency suggests that it is more likely to be benign. ACMG/AMP Criteria applied: BS1_Supporting.

Eurofins Ntd Llc (ga)
Classification: Uncertain significance. Last evaluated: 2018-02-13. Review status: criteria provided, single submitter. Criteria: EGL ClinVar v180209 classification definitions. Collection method: clinical testing. Allele origin: germline. Observed: 2 variant alleles, 2 heterozygotes.

PreventionGenetics, part of Exact Sciences
Classification: Likely benign for HSD17B4-related condition. Last evaluated: 2022-07-08. Review status: no assertion criteria provided. Collection method: clinical testing. Allele origin: germline. Not counted in ClinVar's aggregate classification.
Comment: This variant is classified as likely benign based on ACMG/AMP sequence variant interpretation guidelines (Richards et al. 2015 PMID: 25741868, with internal and published modifications).